The following is an entry in ClinVar:

ClinVar aggregate classification (germline): Uncertain significance (1 of 4 stars; one submission).

Submission:

Labcorp Genetics (formerly Invitae), Labcorp
Classification: Uncertain significance. Last evaluated: 2023-12-11. Review status: criteria provided, single submitter. Criteria: Invitae Variant Classification Sherloc (09022015). Collection method: clinical testing. Allele origin: germline.
Comment: A copy number gain of the genomic region encompassing the full coding sequence of the LYN gene has been identified. The boundaries of this event are unknown as they extend beyond the assayed region for this gene and therefore may encompass additional genes. As the precise location of this event is unknown, it may be in tandem or it may be located elsewhere in the genome. This variant has not been reported in the literature in individuals affected with LYN-related conditions. In summary, the available evidence is currently insufficient to determine the role of this variant in disease. Therefore, it has been classified as a Variant of Uncertain Significance.

NC_000008.10:g.(?_56854419)_(57906144_?)dup

Genes: PENK (proenkephalin; minus strand), PLAG1 (PLAG1 zinc finger; minus strand), BPNT2 (3'(2'), 5'-bisphosphate nucleotidase 2; minus strand), CHCHD7 (coiled-coil-helix-coiled-coil-helix domain containing 7; plus strand), LYN (LYN proto-oncogene, Src family tyrosine kinase; plus strand) and 3 more. Cytogenetic location: 8q12.1.
Variant type: Duplication.
Identifiers: ClinVar variation 1511848 (VCV001511848.5).